The following is an entry in ClinVar:

NM_005676.5(RBM10):c.2425A>G (p.Met809Val)

Gene: RBM10 (RNA binding motif protein 10; plus strand). Cytogenetic location: Xp11.3.
Variant type: single nucleotide variant.
Coding change: c.2425A>G on transcript NM_005676.5 (MANE Select); coding-DNA position 2425, A replaced by G.
Protein change: p.Met809Val; replaces methionine 809 with valine.
Molecular consequence: missense variant.
Genome position (GRCh38, 1-based): chrX:47,185,785, A>G. VCF-style: chrX-47185785-A-G. GRCh37 (hg19) VCF-style: chrX-47045184-A-G.
Other names: c.2194A>G, p.Met732Val (NM_001204466.2); c.2422A>G, p.Met808Val (NM_001204467.2); c.2620A>G, p.Met874Val (NM_001204468.2); c.2191A>G, p.Met731Val (NM_152856.3); short protein forms M731V, M808V, M809V, M732V, M874V.
Identifiers: ClinVar variation 3943527 (VCV003943527.2).
Genomic context (GRCh38, chrX:47,185,785, plus strand): 5'-GAGATTCACCGGCGAGCCCACTTGTCAGAAAACGAGCTAGAAGCACTAGAGAAGAATGAC[A>G]TGGAGGTGAGGTGTGACCTGACCCTGGGCTCCCTCCCCTGTGTCCCTTCCAAGTCCCCAT-3'
Protein context (NP_005667.2, residues 799-819): NELEALEKND[Met809Val]EQMKYRDRAA

ClinVar aggregate classification (germline): Conflicting classifications of pathogenicity. Review status: criteria provided, conflicting classifications (1 of 4 stars). 2 submissions from 2 submitters: Uncertain significance (1); Likely benign (1). Last evaluated 2025-11-23.

Conditions:
Inborn genetic diseases. Identifiers: MedGen C0950123, MeSH D030342.

gnomAD v4.1: 5 of 1,209,616 alleles (0.00041%); highest among the groups gnomAD compares: Middle Eastern, 0.023%; no homozygotes.

Submissions (2):

Labcorp Genetics (formerly Invitae), Labcorp
Classification: Uncertain significance. Last evaluated: 2025-11-23. Review status: criteria provided, single submitter. Criteria: Invitae Variant Classification Sherloc (09022015). Collection method: clinical testing. Allele origin: germline.
Comment: This sequence change replaces methionine, which is neutral and non-polar, with valine, which is neutral and non-polar, at codon 809 of the RBM10 protein (p.Met809Val). This variant is present in population databases (no rsID available, gnomAD 0.02%), including at least one homozygous and/or hemizygous individual. This variant has not been reported in the literature in individuals affected with RBM10-related conditions. ClinVar contains an entry for this variant (Variation ID: 3943527). Invitae Evidence Modeling of protein sequence and biophysical properties (such as structural, functional, and spatial information, amino acid conservation, physicochemical variation, residue mobility, and thermodynamic stability) indicates that this missense variant is not expected to disrupt RBM10 protein function with a negative predictive value of 80%. In summary, the available evidence is currently insufficient to determine the role of this variant in disease. Therefore, it has been classified as a Variant of Uncertain Significance.

Ambry Genetics
Classification: Likely benign for Inborn genetic diseases. Last evaluated: 2025-05-05. Review status: criteria provided, single submitter. Criteria: Ambry Variant Classification Scheme 2023. Collection method: clinical testing. Allele origin: germline.